The following is an entry in ClinVar:

ClinVar aggregate classification (germline): Likely benign (1 of 4 stars; one submission).

Allele frequency attached by ClinVar (database versions not stated): ExAC 0.00204; 1000 Genomes Project 30x 0.00515; 1000 Genomes Project 0.00539; gnomAD 0.00600; ESP Exome Variant Server 0.00631; TOPMed 0.00691.

Submission:

GeneDx
Classification: Likely benign. Last evaluated: 2021-06-23. Review status: criteria provided, single submitter. Criteria: GeneDx Variant Classification Process June 2021. Collection method: clinical testing. Allele origin: germline. Affected: yes.
Comment: See Variant Classification Assertion Criteria.

NM_024598.4(USB1):c.450-34G>A

Gene: USB1 (U6 snRNA biogenesis phosphodiesterase 1; plus strand). Cytogenetic location: 16q21.
Variant type: single nucleotide variant.
Coding change: c.450-34G>A on transcript NM_024598.4 (MANE Select); 34 bases into the intron before coding-DNA position 450, G replaced by A.
Molecular consequence: intron variant.
Genome position (GRCh38, 1-based): chr16:58,014,239, G>A. VCF-style: chr16-58014239-G-A. GRCh37 (hg19) VCF-style: chr16-58048143-G-A.
Other names: c.297-34G>A (NM_001330568.2); c.450-3095G>A (NM_001195302.2).
Identifiers: ClinVar variation 1707128 (VCV001707128.2), dbSNP rs115989305, ClinGen allele CA8084933.